The following is an entry in ClinVar:

ClinVar aggregate classification (germline): Likely benign (1 of 4 stars; one submission).

Allele frequency attached by ClinVar (database versions not stated): gnomAD exomes below 0.00001; ExAC 0.00001.
gnomAD v4.1: 3 of 1,207,813 alleles (0.00025%); highest among the groups gnomAD compares: Non-Finnish European, 0.00022%; no homozygotes.

Submission:

CeGaT Center for Human Genetics Tuebingen
Classification: Likely benign. Last evaluated: 2022-06-01. Review status: criteria provided, single submitter. Criteria: CeGaT Center For Human Genetics Tuebingen Variant Classification Criteria Version 2. Collection method: clinical testing. Allele origin: germline. Affected: yes. Observed: 1 variant allele.
Comment: GPR50: BP4, BP7

NM_004224.3(GPR50):c.558T>C (p.Pro186=)

Gene: GPR50 (G protein-coupled receptor 50; plus strand). Cytogenetic location: Xq28.
Variant type: single nucleotide variant.
Coding change: c.558T>C on transcript NM_004224.3 (MANE Select); coding-DNA position 558, T replaced by C.
Protein change: p.Pro186=; no amino-acid change (proline 186 retained).
Molecular consequence: synonymous variant.
Genome position (GRCh38, 1-based): chrX:151,180,141, T>C. VCF-style: chrX-151180141-T-C. GRCh37 (hg19) VCF-style: chrX-150348613-T-C.
Identifiers: ClinVar variation 2661640 (VCV002661640.24), dbSNP rs769611396, ClinGen allele CA10540281.